The following is an entry in ClinVar:

NM_004281.4(BAG3):c.507G>C (p.Glu169Asp)

Gene: BAG3 (BAG cochaperone 3; plus strand). Cytogenetic location: 10q26.11.
Variant type: single nucleotide variant.
Coding change: c.507G>C on transcript NM_004281.4 (MANE Select); coding-DNA position 507, G replaced by C.
Protein change: p.Glu169Asp; replaces glutamic acid 169 with aspartic acid.
Molecular consequence: missense variant.
Genome position (GRCh38, 1-based): chr10:119,670,177, G>C. VCF-style: chr10-119670177-G-C. GRCh37 (hg19) VCF-style: chr10-121429689-G-C.
Other names: short protein forms E169D.
Identifiers: ClinVar variation 410227 (VCV000410227.15), dbSNP rs1060502812, ClinGen allele CA16612844.

ClinVar aggregate classification (germline): Uncertain significance. Review status: criteria provided, multiple submitters, no conflicts (2 of 4 stars). 3 submissions from 3 submitters: Uncertain significance (3). Last evaluated 2026-08-18.

Conditions:
Cardiovascular phenotype. Identifiers: MedGen CN230736.
Primary familial dilated cardiomyopathy (FDC). Also called: Hypokinetic dilated cardiomyopathy, familial; Familial dilated cardiomyopathy. Identifiers: Orphanet 217607, MedGen C0340427, MONDO:0016333.
Myofibrillar myopathy 6. Identifiers: Orphanet 199340, MedGen C2751831, MONDO:0013061, OMIM 612954.
Dilated cardiomyopathy 1HH (CMD1HH). Identifiers: Orphanet 154, MedGen C3151293, MONDO:0013479, OMIM 613881.

Allele frequency attached by ClinVar (database versions not stated): gnomAD exomes below 0.00001; TOPMed 0.00002.
gnomAD v4.1: 7 of 1,606,046 alleles (0.00044%); highest among the groups gnomAD compares: African/African-American, 0.0013%; no homozygotes.

Submissions (3):

Ambry Genetics
Classification: Uncertain significance for Cardiovascular phenotype. Last evaluated: 2026-08-18. Review status: criteria provided, single submitter. Criteria: Ambry Variant Classification Scheme 2023. Collection method: clinical testing. Allele origin: germline.
Comment: The c.507G>C variant (also known as p.E169D), located in coding exon 2 of the BAG3 gene, results from a G to C substitution at nucleotide position 507. The amino acid change results in glutamic acid to aspartic acid at codon 169, an amino acid with highly similar properties. However, this change occurs in the last base pair of coding exon 2, which makes it likely to have some effect on normal mRNA splicing. This nucleotide position is highly conserved in available vertebrate species. In silico splice site analysis predicts that this alteration will not have any significant effect on splicing. This amino acid position is highly conserved in available vertebrate species. In addition, as a missense substitution, the in silico prediction for this alteration is inconclusive. Based on the available evidence, the clinical significance of this variant remains unclear.

Labcorp Genetics (formerly Invitae), Labcorp
Classification: Uncertain significance for Dilated cardiomyopathy 1HH; Myofibrillar myopathy 6. Last evaluated: 2025-10-13. Review status: criteria provided, single submitter. Criteria: Invitae Variant Classification Sherloc (09022015). Collection method: clinical testing. Allele origin: germline.
Comment: This sequence change replaces glutamic acid, which is acidic and polar, with aspartic acid, which is acidic and polar, at codon 169 of the BAG3 protein (p.Glu169Asp). This variant also falls at the last nucleotide of exon 2, which is part of the consensus splice site for this exon. This variant is present in population databases (no rsID available, gnomAD 0.007%). This variant has not been reported in the literature in individuals affected with BAG3-related conditions. ClinVar contains an entry for this variant (Variation ID: 410227). An algorithm developed to predict the effect of missense changes on protein structure and function (PolyPhen-2) suggests that this variant is likely to be disruptive. Variants that disrupt the consensus splice site are a relatively common cause of aberrant splicing (PMID: 17576681, 9536098). Algorithms developed to predict the effect of sequence changes on RNA splicing suggest that this variant may disrupt the consensus splice site. In summary, the available evidence is currently insufficient to determine the role of this variant in disease. Therefore, it has been classified as a Variant of Uncertain Significance.

Molecular Diagnostic Laboratory for Inherited Cardiovascular Disease, Montreal Heart Institute
Classification: Uncertain significance for Familial dilated cardiomyopathy. Review status: criteria provided, single submitter. Criteria: ACMG Guidelines, 2015. Collection method: clinical testing. Allele origin: germline. Affected: yes.

Literature cited by the submitters: PubMed 17576681 (cited by Labcorp Genetics (formerly Invitae), Labcorp); PubMed 9536098 (cited by Labcorp Genetics (formerly Invitae), Labcorp).